The following is an entry in ClinVar:

ClinVar aggregate classification (germline): Pathogenic (1 of 4 stars; one submission).

Submission:

Labcorp Genetics (formerly Invitae), Labcorp
Classification: Pathogenic. Last evaluated: 2023-12-21. Review status: criteria provided, single submitter. Criteria: Invitae Variant Classification Sherloc (09022015). Collection method: clinical testing. Allele origin: germline.
Comment: This sequence change creates a premature translational stop signal (p.Ile569Asnfs*24) in the ABCB11 gene. It is expected to result in an absent or disrupted protein product. Loss-of-function variants in ABCB11 are known to be pathogenic (PMID: 18395098, 20232290). This variant is not present in population databases (gnomAD no frequency). This variant has not been reported in the literature in individuals affected with ABCB11-related conditions. Algorithms developed to predict the effect of sequence changes on RNA splicing suggest that this variant may disrupt the consensus splice site. For these reasons, this variant has been classified as Pathogenic.

Literature cited by the submitters: PubMed 18395098; PubMed 20232290.

NM_003742.4(ABCB11):c.1705dup (p.Ile569fs)

Gene: ABCB11 (ATP binding cassette subfamily B member 11; minus strand). Cytogenetic location: 2q31.1.
Variant type: Duplication.
Coding change: c.1705dup on transcript NM_003742.4 (MANE Select); coding-DNA position 1705, one base duplicated (A; older notation c.1705dupA).
Protein change: p.Ile569fs; shifts the reading frame from isoleucine 569.
Molecular consequence: frameshift variant.
Genome position (GRCh38, 1-based): chr2:168,970,149, T duplicated on the plus strand (A on the coding strand, the reverse complement: ABCB11 is on the minus strand). VCF-style (leftmost placement, unchanged base first): chr2-168970148-A-AT. GRCh37 (hg19) VCF-style: chr2-169826658-A-AT.
Other names: short protein forms I569fs.
Identifiers: ClinVar variation 2704552 (VCV002704552.3), dbSNP rs2545383346, ClinGen allele CA2697551255.